The following is an entry in ClinVar:

ClinVar aggregate classification (germline): Benign (1 of 4 stars; one submission).

Conditions:
Triglyceride storage disease with ichthyosis (CDS). Also called: Dorfman-Chanarin disease; ICHTHYOSIFORM ERYTHRODERMA WITH LEUKOCYTE VACUOLATION; TRIGLYCERIDE STORAGE DISEASE WITH IMPAIRED LONG-CHAIN FATTY ACID OXIDATION; Chanarin-Dorfman Syndrome. Identifiers: Orphanet 98907, MedGen C0268238, MONDO:0010155, OMIM 275630.

Allele frequency attached by ClinVar (database versions not stated): 1000 Genomes Project 0.01777; 1000 Genomes Project 30x 0.01843; gnomAD 0.02199 and 0.02285; TOPMed 0.02444.

Submission:

Illumina Laboratory Services, Illumina
Classification: Benign for Triglyceride storage disease with ichthyosis. Last evaluated: 2018-01-13. Review status: criteria provided, single submitter. Criteria: ICSL Variant Classification Criteria 13 December 2019. Collection method: clinical testing. Allele origin: germline.
Comment: This variant was observed in the ICSL laboratory as part of a predisposition screen in an ostensibly healthy population. It had not been previously curated by ICSL or reported in the Human Gene Mutation Database (HGMD: prior to June 1st, 2018), and was therefore a candidate for classification through an automated scoring system. Utilizing variant allele frequency, disease prevalence and penetrance estimates, and inheritance mode, an automated score was calculated to assess if this variant is too frequent to cause the disease. Based on the score and internal cut-off values, a variant classified as benign is not then subjected to further curation. The score for this variant resulted in a classification of benign for this disease.

NM_016006.6(ABHD5):c.*1757A>G

Gene: ABHD5 (abhydrolase domain containing 5, lysophosphatidic acid acyltransferase; plus strand). Cytogenetic location: 3p21.33.
Variant type: single nucleotide variant.
Coding change: c.*1757A>G on transcript NM_016006.6 (MANE Select); 1757 bases downstream of the stop codon, A replaced by G.
Molecular consequence: 3 prime UTR variant. On other transcripts: non-coding transcript variant (1), intron variant (1).
Genome position (GRCh38, 1-based): chr3:43,720,289, A>G. VCF-style: chr3-43720289-A-G. GRCh37 (hg19) VCF-style: chr3-43761781-A-G.
Other names: c.*1757A>G (NM_001365649.1); c.*1783A>G (NM_001365650.1); c.29+1728A>G (NM_001355186.2).
Identifiers: ClinVar variation 345248 (VCV000345248.5), dbSNP rs113347419, ClinGen allele CA10615891.